The following is an entry in ClinVar:

ClinVar aggregate classification (germline): Uncertain significance (1 of 4 stars; one submission).

Conditions:
Congenital muscular dystrophy due to integrin alpha-7 deficiency. Also called: MYOPATHY, CONGENITAL, DUE TO INTEGRIN ALPHA-7 DEFICIENCY; Congenital muscular dystrophy with integrin alpha-7 deficiency; Muscular dystrophy, congenital, due to ITGA7 deficiency. Identifiers: Orphanet 34520, MedGen C2750786, MONDO:0013177, OMIM 613204.

Allele frequency attached by ClinVar (database versions not stated): gnomAD 0.00001; TOPMed 0.00001.

Submission:

Labcorp Genetics (formerly Invitae), Labcorp
Classification: Uncertain significance for Congenital muscular dystrophy due to integrin alpha-7 deficiency. Last evaluated: 2022-08-09. Review status: criteria provided, single submitter. Criteria: Invitae Variant Classification Sherloc (09022015). Collection method: clinical testing. Allele origin: germline.
Comment: In summary, the available evidence is currently insufficient to determine the role of this variant in disease. Therefore, it has been classified as a Variant of Uncertain Significance. Algorithms developed to predict the effect of missense changes on protein structure and function are either unavailable or do not agree on the potential impact of this missense change (SIFT: "Deleterious"; PolyPhen-2: "Probably Damaging"; Align-GVGD: "Class C0"). ClinVar contains an entry for this variant (Variation ID: 1493055). This variant has not been reported in the literature in individuals affected with ITGA7-related conditions. This variant is present in population databases (no rsID available, gnomAD 0.003%). This sequence change replaces arginine, which is basic and polar, with tryptophan, which is neutral and slightly polar, at codon 534 of the ITGA7 protein (p.Arg534Trp).

NM_002206.3(ITGA7):c.1600C>T (p.Arg534Trp)

Gene: ITGA7 (integrin subunit alpha 7; minus strand). Cytogenetic location: 12q13.2.
Variant type: single nucleotide variant.
Coding change: c.1600C>T on transcript NM_002206.3 (MANE Select); coding-DNA position 1600, C replaced by T.
Protein change: p.Arg534Trp; replaces arginine 534 with tryptophan.
Molecular consequence: missense variant.
Genome position (GRCh38, 1-based): chr12:55,697,036, G>A on the plus strand (C>T on the coding strand, the complement: ITGA7 is on the minus strand). VCF-style: chr12-55697036-G-A. GRCh37 (hg19) VCF-style: chr12-56090820-G-A.
Other names: c.1612C>T, p.Arg538Trp (NM_001144996.2); c.1321C>T, p.Arg441Trp (NM_001144997.2); c.1273C>T, p.Arg425Trp (NM_001367993.1); c.256C>T, p.Arg86Trp (NM_001367994.1); c.1582C>T, p.Arg528Trp (NM_001374465.1); c.1732C>T, p.Arg578Trp (NM_001410977.1); c.1594C>T, p.Arg532Trp (NM_001414029.1); c.1525C>T, p.Arg509Trp (NM_001414030.1); and 5 more; short protein forms R534W, R441W, R528W, R425W, R538W, R86W, R578W, R494W.
Identifiers: ClinVar variation 1493055 (VCV001493055.8), dbSNP rs780868817, ClinGen allele CA237571778.